The following is an entry in ClinVar:

NM_006218.4(PIK3CA):c.1324G>C (p.Ala442Pro)

Gene: PIK3CA (phosphatidylinositol-4,5-bisphosphate 3-kinase catalytic subunit alpha; plus strand). Cytogenetic location: 3q26.32.
Variant type: single nucleotide variant.
Coding change: c.1324G>C on transcript NM_006218.4 (MANE Select); coding-DNA position 1324, G replaced by C.
Protein change: p.Ala442Pro; replaces alanine 442 with proline.
Molecular consequence: missense variant.
Genome position (GRCh38, 1-based): chr3:179,210,258, G>C. VCF-style: chr3-179210258-G-C. GRCh37 (hg19) VCF-style: chr3-178928046-G-C.
Other names: c.1324G>C (LRG_310t1); short protein forms A442P.
Identifiers: ClinVar variation 570411 (VCV000570411.11), dbSNP rs200951754, ClinGen allele CA2710699.

ClinVar aggregate classification (germline): Uncertain significance (1 of 4 stars; one submission).

Conditions:
Cowden syndrome (CS). Also called: Cowden's disease; Cowden's syndrome; Cowden disease. Identifiers: Orphanet 201, MedGen C0018553, MONDO:0016063. Disease mechanism: gain of function.

Allele frequency attached by ClinVar (database versions not stated): gnomAD exomes below 0.00001 and 0.00001; TOPMed below 0.00001; ExAC 0.00001; gnomAD 0.00001; ESP Exome Variant Server 0.00008.
gnomAD v4.1: 8 of 1,597,406 alleles (0.0005%); highest among the groups gnomAD compares: Non-Finnish European, 0.00068%; no homozygotes.

Submission:

Labcorp Genetics (formerly Invitae), Labcorp
Classification: Uncertain significance for Cowden syndrome. Last evaluated: 2025-02-02. Review status: criteria provided, single submitter. Criteria: Invitae Variant Classification Sherloc (09022015). Collection method: clinical testing. Allele origin: germline.
Comment: This sequence change replaces alanine, which is neutral and non-polar, with proline, which is neutral and non-polar, at codon 442 of the PIK3CA protein (p.Ala442Pro). This variant is present in population databases (rs200951754, gnomAD 0.002%). This variant has not been reported in the literature in individuals affected with PIK3CA-related conditions. ClinVar contains an entry for this variant (Variation ID: 570411). Invitae Evidence Modeling of protein sequence and biophysical properties (such as structural, functional, and spatial information, amino acid conservation, physicochemical variation, residue mobility, and thermodynamic stability) has been performed for this missense variant. However, the output from this modeling did not meet the statistical confidence thresholds required to predict the impact of this variant on PIK3CA protein function. In summary, the available evidence is currently insufficient to determine the role of this variant in disease. Therefore, it has been classified as a Variant of Uncertain Significance.